The following is an entry in ClinVar:

NM_033402.5(LRRCC1):c.205C>T (p.His69Tyr)

Gene: LRRCC1 (leucine rich repeat and coiled-coil centrosomal protein 1; plus strand). Cytogenetic location: 8q21.2.
Variant type: single nucleotide variant.
Coding change: c.205C>T on transcript NM_033402.5 (MANE Select); coding-DNA position 205, C replaced by T.
Protein change: p.His69Tyr; replaces histidine 69 with tyrosine.
Molecular consequence: missense variant. On other transcripts: 5 prime UTR variant (1), intron variant (3).
Genome position (GRCh38, 1-based): chr8:85,109,695, C>T. VCF-style: chr8-85109695-C-T. GRCh37 (hg19) VCF-style: chr8-86021930-C-T.
Other names: c.-307C>T (NM_001349638.2); c.-158-420C>T (NM_001349637.2); c.32-420C>T (NM_001349636.2); c.-247-420C>T (NM_001349639.2); short protein forms H69Y.
Identifiers: ClinVar variation 4798742 (VCV004798742.1).

ClinVar aggregate classification (germline): Uncertain significance (1 of 4 stars; one submission).

Submission:

Labcorp Genetics (formerly Invitae), Labcorp
Classification: Uncertain significance. Last evaluated: 2026-01-13. Review status: criteria provided, single submitter. Criteria: Invitae Variant Classification Sherloc (09022015). Collection method: clinical testing. Allele origin: germline.
Comment: This sequence change replaces histidine, which is basic and polar, with tyrosine, which is neutral and polar, at codon 69 of the LRRCC1 protein (p.His69Tyr). This variant is present in population databases (rs199520827, gnomAD 0.2%), and has an allele count higher than expected for a pathogenic variant. This variant has not been reported in the literature in individuals affected with LRRCC1-related conditions. An algorithm developed to predict the effect of missense changes on protein structure and function (PolyPhen-2) suggests that this variant is likely to be disruptive. In summary, the available evidence is currently insufficient to determine the role of this variant in disease. Therefore, it has been classified as a Variant of Uncertain Significance.